The following is an entry in ClinVar:

NM_000059.4(BRCA2):c.1889C>T (p.Thr630Ile)

Gene: BRCA2 (BRCA2 DNA repair associated; plus strand). Cytogenetic location: 13q13.1.
Variant type: single nucleotide variant.
Coding change: c.1889C>T on transcript NM_000059.4 (MANE Select); coding-DNA position 1889, C replaced by T.
Protein change: p.Thr630Ile; replaces threonine 630 with isoleucine.
Molecular consequence: missense variant.
Genome position (GRCh38, 1-based): chr13:32,333,367, C>T. VCF-style: chr13-32333367-C-T. GRCh37 (hg19) VCF-style: chr13-32907504-C-T.
Other names: p.T630I:ACA>ATA; 2117C>T; short protein forms T630I.
Identifiers: ClinVar variation 37768 (VCV000037768.79), dbSNP rs80358479, ClinGen allele CA013740.

ClinVar aggregate classification (germline): Benign. Review status: reviewed by expert panel (3 of 4 stars). 29 submissions from 28 submitters: Benign (1). 28 of the submissions do not count toward it. Last evaluated 2015-08-10.

Conditions:
BRCA2-related disorder. Also called: BRCA2-related condition; BRCA2-related disorders. Identifiers: MedGen CN239275.
Breast and/or ovarian cancer. Identifiers: MedGen CN221562.
Hereditary cancer-predisposing syndrome. Also called: Neoplastic Syndromes, Hereditary; Tumor predisposition; Hereditary Cancer Syndrome; Hereditary neoplastic syndrome. Identifiers: Orphanet 140162, MedGen C0027672, MeSH D009386, MONDO:0015356.
Hereditary breast ovarian cancer syndrome. Also called: Hereditary breast and ovarian cancer; Breast and ovarian cancer; Hereditary breast and/or ovarian cancer syndrome; Hereditary breast and ovarian cancer syndrome (HBOC); Hereditary breast and ovarian cancer syndrome; BRCA1- and BRCA2-Associated Hereditary Breast and Ovarian Cancer. Identifiers: Orphanet 145, MedGen C0677776, MeSH D061325, MONDO:0003582. Disease mechanism: loss of function.
Breast-ovarian cancer, familial, susceptibility to, 2 (BROVCA2). Also called: BRCA2 Hereditary Breast and Ovarian Cancer. Identifiers: Orphanet 145, MedGen C2675520, MONDO:0012933, OMIM 612555. Disease mechanism: loss of function.
Fanconi anemia complementation group D1. Also called: BRCA2-Related Fanconi Anemia. Identifiers: Orphanet 319462, MedGen C1838457, MONDO:0011584, OMIM 605724.

Allele frequency attached by ClinVar (database versions not stated): ESP Exome Variant Server 0.00008; gnomAD 0.00011 and 0.00012; TOPMed 0.00012; ExAC 0.00018; gnomAD exomes 0.00021.
gnomAD v4.1: 180 of 1,609,032 alleles (0.011%); highest among the groups gnomAD compares: East Asian, 0.02%; 1 homozygote.

Submissions 1 to 22 of 29:

Evidence-based Network for the Interpretation of Germline Mutant Alleles (ENIGMA)
Classification: Benign for Breast-ovarian cancer, familial 2. Last evaluated: 2015-08-10. Review status: reviewed by expert panel. Criteria: ENIGMA BRCA1/2 Classification Criteria (2015). Collection method: curation. Allele origin: germline.
Comment: IARC class based on posterior probability from multifactorial likelihood analysis, thresholds for class as per Plon et al. 2008 (PMID: 18951446). Class 1 based on posterior probability = 0.000000121

Labcorp Genetics (formerly Invitae), Labcorp
Classification: Benign for Hereditary breast ovarian cancer syndrome. Last evaluated: 2026-01-30. Review status: criteria provided, single submitter. Criteria: Invitae Variant Classification Sherloc (09022015). Collection method: clinical testing. Allele origin: germline. Not counted in ClinVar's aggregate classification.

CeGaT Center for Human Genetics Tuebingen
Classification: Likely benign. Last evaluated: 2025-11-01. Review status: criteria provided, single submitter. Criteria: CeGaT Center For Human Genetics Tuebingen Variant Classification Criteria Version 2. Collection method: clinical testing. Allele origin: germline. Affected: yes. Observed: 11 variant alleles. Not counted in ClinVar's aggregate classification.
Comment: BRCA2: BP4

Center for Genomic Medicine, Rigshospitalet, Copenhagen University Hospital
Classification: Benign. Last evaluated: 2025-03-04. Review status: criteria provided, single submitter. Criteria: ACMG Guidelines, 2015. Collection method: clinical testing. Allele origin: germline. Not counted in ClinVar's aggregate classification.

Blueprint Genetics
Classification: Likely benign. Last evaluated: 2024-11-19. Review status: criteria provided, single submitter. Criteria: ACMG Guidelines, 2015. Collection method: clinical testing. Allele origin: germline. Not counted in ClinVar's aggregate classification.

ARUP Laboratories, Molecular Genetics and Genomics, ARUP Laboratories
Classification: Likely benign. Last evaluated: 2024-10-30. Review status: criteria provided, single submitter. Criteria: ARUP Molecular Germline Variant Investigation Process 2024. Collection method: clinical testing. Allele origin: germline. Not counted in ClinVar's aggregate classification.

KCCC/NGS Laboratory, Kuwait Cancer Control Center
Classification: Benign for Breast-ovarian cancer, familial, susceptibility to, 2. Last evaluated: 2023-07-07. Review status: criteria provided, single submitter. Criteria: ACMG Guidelines, 2015. Collection method: clinical testing. Allele origin: germline. Affected: yes. Not counted in ClinVar's aggregate classification.

CHEO Genetics Diagnostic Laboratory, Children's Hospital of Eastern Ontario
Classification: Likely benign for Breast and/or ovarian cancer. Last evaluated: 2023-04-27. Review status: criteria provided, single submitter. Criteria: ACMG Guidelines, 2015. Collection method: clinical testing. Allele origin: germline. Not counted in ClinVar's aggregate classification.

Institute for Biomarker Research, Medical Diagnostic Laboratories, L.L.C.
Classification: Benign for Hereditary breast ovarian cancer syndrome. Last evaluated: 2023-03-09. Review status: criteria provided, single submitter. Criteria: ACMG Guidelines, 2015. Collection method: clinical testing. Allele origin: germline. Not counted in ClinVar's aggregate classification.

Laboratory for Molecular Medicine, Mass General Brigham Personalized Medicine
Classification: Benign. Last evaluated: 2022-06-12. Review status: criteria provided, single submitter. Criteria: ACMG Guidelines, 2015. Collection method: clinical testing. Allele origin: germline. Not counted in ClinVar's aggregate classification.
Comment: The p.Thr630Ile variant in BRCA2 is classified as benign because it has been identified in 0.4% (43/9876) of Ashkenazi Jewish chromosomes, including 1 homozygote, by gnomAD. ACMG/AMP Criteria applied: BA1.

Sema4
Classification: Benign for Hereditary cancer-predisposing syndrome. Last evaluated: 2021-01-19. Review status: criteria provided, single submitter. Criteria: Sema4 Curation Guidelines. Collection method: curation. Allele origin: germline. Not counted in ClinVar's aggregate classification.

Illumina Laboratory Services, Illumina
Classification: Uncertain significance for Breast-ovarian cancer, familial, susceptibility to, 2. Last evaluated: 2018-01-13. Review status: criteria provided, single submitter. Criteria: ICSL Variant Classification Criteria 13 December 2019. Collection method: clinical testing. Allele origin: germline. Not counted in ClinVar's aggregate classification.

Illumina Laboratory Services, Illumina
Classification: Uncertain significance for Fanconi anemia complementation group D1. Last evaluated: 2018-01-13. Review status: criteria provided, single submitter. Criteria: ICSL Variant Classification Criteria 13 December 2019. Collection method: clinical testing. Allele origin: germline. Not counted in ClinVar's aggregate classification.

GeneDx
Classification: Likely benign. Last evaluated: 2017-10-25. Review status: criteria provided, single submitter. Criteria: GeneDx Variant Classification (06012015). Collection method: clinical testing. Allele origin: germline. Affected: yes. Not counted in ClinVar's aggregate classification.
Comment: This variant is considered likely benign or benign based on one or more of the following criteria: it is a conservative change, it occurs at a poorly conserved position in the protein, it is predicted to be benign by multiple in silico algorithms, and/or has population frequency not consistent with disease.

Women's Health and Genetics/Laboratory Corporation of America, LabCorp
Classification: Benign. Last evaluated: 2016-08-22. Review status: criteria provided, single submitter. Criteria: LabCorp Variant Classification Summary - May 2015. Collection method: clinical testing. Allele origin: germline. Not counted in ClinVar's aggregate classification.
Comment: Variant summary: The BRCA2 c.1889C>T (p.Thr630Ile) variant causes a missense change involving a non-conserved nucleotide with 3/5 in silico tools predict a damaging outcome, although these predictions have yet to be functionally assessed. The variant of interest was found in the large, broad control population, ExAC, with an allele frequency of 21/116384 (1/5543), which does not exceed the estimated maximal expected allele frequency for a pathogenic BRCA2 variant of 1/1333. Multiple publications have cited the variant in affected individuals, in particular, reputable databases have cited the variant to co-occur with multiple pathogenic BRCA2 variants, 1 - c.6468_6469delTC (p.Gln2157IlefsX18), 2 - c.4829_4830delTG (p.Val1610fs), 1 - c.276dupA (p.Gln92fs), and BRCA1 variants, 1 - c.4936delG (Val1646fs), 1 - c.3700_3704delGTAAA (p.Val1234fs), c.5263dupC (p.Ser1755fs). In additional, multiple reputable databases/clinical laboratories and publications cite the variant as "likely benign/benign." Therefore, the variant of interest has been classified as Benign.

Genetic Services Laboratory, University of Chicago
Classification: Likely benign. Last evaluated: 2015-07-17. Review status: criteria provided, single submitter. Criteria: ACMG Guidelines, 2015. Collection method: clinical testing. Allele origin: germline. Not counted in ClinVar's aggregate classification.

Color Diagnostics, LLC DBA Color Health
Classification: Likely benign for Hereditary cancer-predisposing syndrome. Last evaluated: 2015-07-15. Review status: criteria provided, single submitter. Criteria: ACMG Guidelines, 2015. Collection method: clinical testing. Allele origin: germline. Not counted in ClinVar's aggregate classification.

Ambry Genetics
Classification: Benign for Hereditary cancer-predisposing syndrome. Last evaluated: 2014-11-19. Review status: criteria provided, single submitter. Criteria: Ambry Variant Classification Scheme 2023. Collection method: clinical testing. Allele origin: germline. Not counted in ClinVar's aggregate classification.

PreventionGenetics, part of Exact Sciences
Classification: Benign for BRCA2-related condition. Last evaluated: 2019-10-03. Review status: no assertion criteria provided. Collection method: clinical testing. Allele origin: germline. Not counted in ClinVar's aggregate classification.
Comment: This variant is classified as benign based on ACMG/AMP sequence variant interpretation guidelines (Richards et al. 2015 PMID: 25741868, with internal and published modifications).

Mayo Clinic Laboratories, Mayo Clinic
Classification: Likely benign. Last evaluated: 2018-02-28. Review status: no assertion criteria provided. Collection method: clinical testing. Allele origin: unknown. Not counted in ClinVar's aggregate classification.

True Health Diagnostics
Classification: Likely benign for Hereditary cancer-predisposing syndrome. Last evaluated: 2017-12-01. Review status: no assertion criteria provided. Collection method: clinical testing. Allele origin: germline. Not counted in ClinVar's aggregate classification.

Counsyl
Classification: Likely benign for Breast-ovarian cancer, familial 2. Last evaluated: 2014-09-19. Review status: no assertion criteria provided. Collection method: literature only. Allele origin: unknown. Inheritance: Autosomal dominant inheritance. Not counted in ClinVar's aggregate classification.